The following is an entry in ClinVar:

NM_000069.3(CACNA1S):c.2630C>T (p.Ala877Val)

Gene: CACNA1S (calcium voltage-gated channel subunit alpha1 S; minus strand). Cytogenetic location: 1q32.1.
Variant type: single nucleotide variant.
Coding change: c.2630C>T on transcript NM_000069.3 (MANE Select); coding-DNA position 2630, C replaced by T.
Protein change: p.Ala877Val; replaces alanine 877 with valine.
Molecular consequence: missense variant.
Genome position (GRCh38, 1-based): chr1:201,066,914, G>A on the plus strand (C>T on the coding strand, the complement: CACNA1S is on the minus strand). VCF-style: chr1-201066914-G-A. GRCh37 (hg19) VCF-style: chr1-201036042-G-A.
Other names: short protein forms A877V.
Identifiers: ClinVar variation 1023717 (VCV001023717.16), dbSNP rs200646947, ClinGen allele CA079145.

ClinVar aggregate classification (germline): Conflicting classifications of pathogenicity. Review status: criteria provided, conflicting classifications (1 of 4 stars). 5 submissions from 5 submitters: Uncertain significance (4); Likely benign (1). Last evaluated 2025-10-10.

Conditions:
Hypokalemic periodic paralysis, type 1. Also called: HypoPP; Hypokalemic Periodic Paralysis Type 1 (AD). Identifiers: Orphanet 681, MedGen C3714580, MONDO:0042979, OMIM 170400.
Thyrotoxic periodic paralysis, susceptibility to, 1 (TTPP1). Identifiers: Orphanet 79102, MedGen C2749982, MONDO:0008570, OMIM 188580.
Malignant hyperthermia, susceptibility to, 5 (MHS5). Also called: CACNA1S-Related Malignant Hyperthermia Susceptibility. Identifiers: Orphanet 423, MedGen C1866077, MONDO:0011163, OMIM 601887.

Allele frequency attached by ClinVar (database versions not stated): ExAC 0.00001; gnomAD exomes 0.00001 and 0.00003; gnomAD 0.00005 and 0.00006; TOPMed 0.00005; ESP Exome Variant Server 0.00008.
gnomAD v4.1: 57 of 1,613,948 alleles (0.0035%); highest among the groups gnomAD compares: Admixed American, 0.0083%; no homozygotes.

Submissions (5):

Labcorp Genetics (formerly Invitae), Labcorp
Classification: Likely benign for Hypokalemic periodic paralysis, type 1; Malignant hyperthermia, susceptibility to, 5. Last evaluated: 2025-10-10. Review status: criteria provided, single submitter. Criteria: Invitae Variant Classification Sherloc (09022015). Collection method: clinical testing. Allele origin: germline.

Revvity Omics, Revvity
Classification: Uncertain significance. Last evaluated: 2025-06-25. Review status: criteria provided, single submitter. Criteria: ACMG Guidelines, 2015. Collection method: clinical testing. Allele origin: germline.

All of Us Research Program, National Institutes of Health
Classification: Uncertain significance for Malignant hyperthermia, susceptibility to, 5. Last evaluated: 2024-05-09. Review status: criteria provided, single submitter. Criteria: ACMG Guidelines, 2015. Collection method: clinical testing. Allele origin: germline. Inheritance: Autosomal dominant inheritance. Observed: 13 variant alleles, 13 heterozygotes.
Comment: This missense variant replaces alanine with valine at codon 877 of the CACNA1S protein. Computational prediction suggests that this variant may not impact protein structure and function (internally defined REVEL score threshold <= 0.5, PMID: 27666373). To our knowledge, functional studies have not been reported for this variant. This variant has not been reported in individuals affected with CACNA1S-related disorders in the literature. This variant has been identified in 5/282744 chromosomes in the general population by the Genome Aggregation Database (gnomAD). The available evidence is insufficient to determine the role of this variant in disease conclusively. Therefore, this variant is classified as a Variant of Uncertain Significance.

This study involves interpretation of variants in research participants for the purpose of population health screening. Participant phenotype was not available at the time of variant classification. Additional details can be found in publication PMID: 35346344, PMCID: PMC8962531

Color Diagnostics, LLC DBA Color Health
Classification: Uncertain significance for Malignant hyperthermia, susceptibility to, 5. Last evaluated: 2024-04-11. Review status: criteria provided, single submitter. Criteria: ACMG Guidelines, 2015. Collection method: clinical testing. Allele origin: germline.
Comment: This missense variant replaces alanine with valine at codon 877 of the CACNA1S protein. Computational prediction suggests that this variant may not impact protein structure and function. To our knowledge, functional studies have not been reported for this variant. This variant has not been reported in individuals affected with CACNA1S-related disorders in the literature. This variant has been identified in 5/282744 chromosomes in the general population by the Genome Aggregation Database (gnomAD). The available evidence is insufficient to determine the role of this variant in disease conclusively. Therefore, this variant is classified as a Variant of Uncertain Significance.

Fulgent Genetics
Classification: Uncertain significance for Hypokalemic periodic paralysis, type 1; Thyrotoxic periodic paralysis, susceptibility to, 1; Malignant hyperthermia, susceptibility to, 5. Last evaluated: 2022-04-05. Review status: criteria provided, single submitter. Criteria: ACMG Guidelines, 2015. Collection method: clinical testing. Allele origin: unknown.